The following is an entry in ClinVar:

NM_001382304.1(NUTM2D):c.675T>C (p.Asn225=)

Gene: NUTM2D (NUT family member 2D; plus strand). Cytogenetic location: 10q23.2.
Variant type: single nucleotide variant.
Coding change: c.675T>C on transcript NM_001382304.1 (MANE Select); coding-DNA position 675, T replaced by C.
Protein change: p.Asn225=; no amino-acid change (asparagine 225 retained).
Molecular consequence: synonymous variant.
Genome position (GRCh38, 1-based): chr10:87,360,989, T>C. VCF-style: chr10-87360989-T-C. GRCh37 (hg19) VCF-style: chr10-89120746-T-C.
Other names: c.675T>C, p.Asn225= (NM_001009610.2).
Identifiers: ClinVar variation 3389096 (VCV003389096.14).

ClinVar aggregate classification (germline): Likely benign (1 of 4 stars; one submission).

Submission:

CeGaT Center for Human Genetics Tuebingen
Classification: Likely benign. Last evaluated: 2024-09-01. Review status: criteria provided, single submitter. Criteria: CeGaT Center For Human Genetics Tuebingen Variant Classification Criteria Version 2. Collection method: clinical testing. Allele origin: germline. Affected: yes. Observed: 1 variant allele.
Comment: NUTM2D: BP4, BP7